The following is an entry in ClinVar:

ClinVar aggregate classification (germline): Conflicting classifications of pathogenicity. Review status: criteria provided, conflicting classifications (1 of 4 stars). 3 submissions from 3 submitters: Likely pathogenic (1); Uncertain significance (2). Last evaluated 2024-10-21.

Conditions:
POMGNT2-related disorder. Also called: POMGNT2-related condition.
Muscular dystrophy-dystroglycanopathy (congenital with brain and eye anomalies), type a, 8 (MDDGA8). Also called: WALKER-WARBURG SYNDROME OR MUSCLE-EYE-BRAIN DISEASE, GTDC2-RELATED. Identifiers: Orphanet 899, MedGen C3553813, MONDO:0013904, OMIM 614830.

Allele frequency attached by ClinVar (database versions not stated): gnomAD 0.00001; ExAC 0.00003; gnomAD exomes 0.00003; 1000 Genomes Project 30x 0.00016; 1000 Genomes Project 0.00020.
gnomAD v4.1: 45 of 1,613,744 alleles (0.0028%); highest among the groups gnomAD compares: East Asian, 0.0067%; no homozygotes.

Submissions (3):

Blueprint Genetics
Classification: Likely pathogenic for POMGNT2-related disorders. Last evaluated: 2024-10-21. Review status: criteria provided, single submitter. Criteria: ACMG Guidelines, 2015. Collection method: clinical testing. Allele origin: germline. Affected: yes. Observed: 2 variant alleles.

Labcorp Genetics (formerly Invitae), Labcorp
Classification: Uncertain significance for Muscular dystrophy-dystroglycanopathy (congenital with brain and eye anomalies), type a, 8. Last evaluated: 2022-09-07. Review status: criteria provided, single submitter. Criteria: Invitae Variant Classification Sherloc (09022015). Collection method: clinical testing. Allele origin: germline.
Comment: This sequence change replaces glycine, which is neutral and non-polar, with serine, which is neutral and polar, at codon 64 of the POMGNT2 protein (p.Gly64Ser). This variant is present in population databases (rs548769646, gnomAD 0.01%). This variant has not been reported in the literature in individuals affected with POMGNT2-related conditions. ClinVar contains an entry for this variant (Variation ID: 1307031). Algorithms developed to predict the effect of missense changes on protein structure and function (SIFT, PolyPhen-2, Align-GVGD) all suggest that this variant is likely to be disruptive. In summary, the available evidence is currently insufficient to determine the role of this variant in disease. Therefore, it has been classified as a Variant of Uncertain Significance.

GeneDx
Classification: Uncertain significance. Last evaluated: 2019-07-08. Review status: criteria provided, single submitter. Criteria: GeneDx Variant Classification Process June 2021. Collection method: clinical testing. Allele origin: germline. Affected: yes.
Comment: Not observed at a significant frequency in large population cohorts (Lek et al., 2016); In silico analysis, which includes protein predictors and evolutionary conservation, supports that this variant does not alter protein structure/function; This variant is associated with the following publications: (PMID: 27708273)

NM_032806.6(POMGNT2):c.190G>A (p.Gly64Ser)

Gene: POMGNT2 (protein O-linked mannose N-acetylglucosaminyltransferase 2 (beta 1,4-); minus strand). Cytogenetic location: 3p22.1.
Variant type: single nucleotide variant.
Coding change: c.190G>A on transcript NM_032806.6 (MANE Select); coding-DNA position 190, G replaced by A.
Protein change: p.Gly64Ser; replaces glycine 64 with serine.
Molecular consequence: missense variant.
Genome position (GRCh38, 1-based): chr3:43,081,242, C>T on the plus strand (G>A on the coding strand, the complement: POMGNT2 is on the minus strand). VCF-style: chr3-43081242-C-T. GRCh37 (hg19) VCF-style: chr3-43122734-C-T.
Other names: short protein forms G64S.
Identifiers: ClinVar variation 1307031 (VCV001307031.7), dbSNP rs548769646, ClinGen allele CA2340138.